The following is an entry in ClinVar:

NM_001376.5(DYNC1H1):c.10933T>A (p.Leu3645Met)

Gene: DYNC1H1 (dynein cytoplasmic 1 heavy chain 1; plus strand). Cytogenetic location: 14q32.31.
Variant type: single nucleotide variant.
Coding change: c.10933T>A on transcript NM_001376.5 (MANE Select); coding-DNA position 10933, T replaced by A.
Protein change: p.Leu3645Met; replaces leucine 3645 with methionine.
Molecular consequence: missense variant.
Genome position (GRCh38, 1-based): chr14:102,038,484, T>A. VCF-style: chr14-102038484-T-A. GRCh37 (hg19) VCF-style: chr14-102504821-T-A.
Other names: short protein forms L3645M.
Identifiers: ClinVar variation 1789829 (VCV001789829.2), dbSNP rs1333048158, ClinGen allele CA391031335.

ClinVar aggregate classification (germline): Uncertain significance (1 of 4 stars; one submission).

Conditions:
Inborn genetic diseases. Identifiers: MedGen C0950123, MeSH D030342.

Allele frequency attached by ClinVar (database versions not stated): gnomAD exomes below 0.00001.
gnomAD v4.1: 2 of 1,614,130 alleles (0.00012%); highest among the groups gnomAD compares: Non-Finnish European, 0.00017%; no homozygotes.

Submission:

Ambry Genetics
Classification: Uncertain significance for Inborn genetic diseases. Last evaluated: 2020-11-16. Review status: criteria provided, single submitter. Criteria: Ambry Variant Classification Scheme 2023. Collection method: clinical testing. Allele origin: germline.
Comment: The p.L3645M variant (also known as c.10933T>A), located in coding exon 58 of the DYNC1H1 gene, results from a T to A substitution at nucleotide position 10933. The leucine at codon 3645 is replaced by methionine, an amino acid with highly similar properties. This amino acid position is highly conserved in available vertebrate species. In addition, the in silico prediction for this alteration is inconclusive. Since supporting evidence is limited at this time, the clinical significance of this alteration remains unclear.